The following is an entry in ClinVar:

NM_002063.4(GLRA2):c.184A>C (p.Ile62Leu)

Gene: GLRA2 (glycine receptor alpha 2; plus strand). Cytogenetic location: Xp22.2.
Variant type: single nucleotide variant.
Coding change: c.184A>C on transcript NM_002063.4 (MANE Select); coding-DNA position 184, A replaced by C.
Protein change: p.Ile62Leu; replaces isoleucine 62 with leucine.
Molecular consequence: missense variant. On other transcripts: 5 prime UTR variant (1).
Genome position (GRCh38, 1-based): chrX:14,532,354, A>C. VCF-style: chrX-14532354-A-C. GRCh37 (hg19) VCF-style: chrX-14550476-A-C.
Other names: c.184A>C, p.Ile62Leu (NM_001118885.2, NM_001118886.2); c.-44A>C (NM_001171942.2); short protein forms I62L.
Identifiers: ClinVar variation 3766114 (VCV003766114.1).
Genomic context (GRCh38, chrX:14,532,354, plus strand): 5'-CTATCTCCTTCAGATTTCTTGGACAAGTTAATGGGAAGGACATCAGGATATGATGCAAGA[A>C]TCAGGCCAAATTTTAAAGGTAGGTTCCACTTAAACTTACGTTAAGCCTTTGAGAAATCTT-3'
Protein context (NP_002054.1, residues 52-72): MGRTSGYDAR[Ile62Leu]RPNFKGPPVN

ClinVar aggregate classification (germline): Uncertain significance (1 of 4 stars; one submission).

Submission:

GeneDx
Classification: Uncertain significance. Last evaluated: 2022-02-17. Review status: criteria provided, single submitter. Criteria: GeneDx Variant Classification Process June 2021. Collection method: clinical testing. Allele origin: germline. Affected: yes.
Comment: Not observed at significant frequency in large population cohorts (gnomAD); In silico analysis supports that this missense variant does not alter protein structure/function; Has not been previously published as pathogenic or benign to our knowledge; Variants in candidate genes are classified as variants of uncertain significance in accordance with ACMG guidelines (Richards et al., 2015)